The following is an entry in ClinVar:

ClinVar aggregate classification (germline): Likely benign (1 of 4 stars; one submission).

Conditions:
FHOD3-related disorder. Also called: FHOD3-related condition.

gnomAD v4.1: 124 of 1,614,128 alleles (0.0077%); highest among the groups gnomAD compares: Middle Eastern, 0.033%; no homozygotes.

Submission:

PreventionGenetics, part of Exact Sciences
Classification: Likely benign for FHOD3-related condition. Last evaluated: 2025-12-30. Review status: criteria provided, single submitter. Criteria: ACMG Guidelines, 2015. Collection method: clinical testing. Allele origin: germline.
Comment: This variant is classified as likely benign based on ACMG/AMP sequence variant interpretation guidelines (Richards et al. 2015 PMID: 25741868, with internal and published modifications).

NM_001281740.3(FHOD3):c.2469G>A (p.Ser823=)

Gene: FHOD3 (formin homology 2 domain containing 3; plus strand). Cytogenetic location: 18q12.2.
Variant type: single nucleotide variant.
Coding change: c.2469G>A on transcript NM_001281740.3 (MANE Select); coding-DNA position 2469, G replaced by A.
Protein change: p.Ser823=; no amino-acid change (serine 823 retained).
Molecular consequence: synonymous variant.
Genome position (GRCh38, 1-based): chr18:36,709,327, G>A. VCF-style: chr18-36709327-G-A. GRCh37 (hg19) VCF-style: chr18-34289290-G-A.
Other names: c.1893G>A, p.Ser631= (NM_001281739.3); c.1944G>A, p.Ser648= (NM_025135.5).
Identifiers: ClinVar variation 4979811 (VCV004979811.1).